The following is an entry in ClinVar:

ClinVar aggregate classification (germline): Likely benign. Review status: criteria provided, multiple submitters, no conflicts (2 of 4 stars). 3 submissions from 3 submitters: Likely benign (3). Last evaluated 2026-07-07.

Conditions:
Hereditary cancer-predisposing syndrome. Also called: Neoplastic Syndromes, Hereditary; Tumor predisposition; Hereditary Cancer Syndrome; Hereditary neoplastic syndrome. Identifiers: Orphanet 140162, MedGen C0027672, MeSH D009386, MONDO:0015356.
Rhabdoid tumor predisposition syndrome 2 (RTPS2). Identifiers: Orphanet 231108, Orphanet 69077, MedGen C2750074, MONDO:0013224, OMIM 613325.

Allele frequency attached by ClinVar (database versions not stated): TOPMed below 0.00001; gnomAD exomes below 0.00001.
gnomAD v4.1: 5 of 1,609,788 alleles (0.00031%); highest among the groups gnomAD compares: South Asian, 0.0011%; no homozygotes.

Submissions (3):

Myriad Genetics, Inc.
Classification: Likely benign for Rhabdoid tumor predisposition syndrome 2. Last evaluated: 2026-07-07. Review status: criteria provided, single submitter. Criteria: Myriad Autosomal Dominant, Autosomal Recessive and X-Linked Classification Criteria (2023). Collection method: clinical testing. Allele origin: unknown.
Comment: This variant is considered likely benign. This variant is intronic and is not expected to impact mRNA splicing.

Labcorp Genetics (formerly Invitae), Labcorp
Classification: Likely benign for Rhabdoid tumor predisposition syndrome 2. Last evaluated: 2025-09-08. Review status: criteria provided, single submitter. Criteria: Invitae Variant Classification Sherloc (09022015). Collection method: clinical testing. Allele origin: germline.

Sema4
Classification: Likely benign for Hereditary cancer-predisposing syndrome. Last evaluated: 2020-10-15. Review status: criteria provided, single submitter. Criteria: Sema4 Curation Guidelines. Collection method: curation. Allele origin: germline.

NM_003072.5(SMARCA4):c.3383-13C>T

Gene: SMARCA4 (SWI/SNF related BAF chromatin remodeling complex subunit ATPase 4; plus strand). Cytogenetic location: 19p13.2.
Variant type: single nucleotide variant.
Coding change: c.3383-13C>T on transcript NM_003072.5 (MANE Select); 13 bases into the intron before coding-DNA position 3383, C replaced by T.
Molecular consequence: intron variant.
Genome position (GRCh38, 1-based): chr19:11,030,717, C>T. VCF-style: chr19-11030717-C-T. GRCh37 (hg19) VCF-style: chr19-11141393-C-T.
Other names: c.3383-13C>T (NM_001128844.3, NM_001128849.3, NM_001128847.4 and 5 more transcripts).
Identifiers: ClinVar variation 1530672 (VCV001530672.10), dbSNP rs2074868828, ClinGen allele CA2322729751.